The following is an entry in ClinVar:

NM_001321103.2(SLC4A7):c.3698+8T>C

Gene: SLC4A7 (solute carrier family 4 member 7; minus strand). Cytogenetic location: 3p24.1.
Variant type: single nucleotide variant.
Coding change: c.3698+8T>C on transcript NM_001321103.2 (MANE Select); 8 bases into the intron after coding-DNA position 3698, T replaced by C.
Molecular consequence: intron variant.
Genome position (GRCh38, 1-based): chr3:27,379,241, A>G on the plus strand (T>C on the coding strand, the complement: SLC4A7 is on the minus strand). VCF-style: chr3-27379241-A-G. GRCh37 (hg19) VCF-style: chr3-27420732-A-G.
Other names: c.3540-2396T>C (NM_001321106.2); c.3207-2396T>C (NM_001321107.2); c.3314+8T>C (NM_001258379.2); c.3552-2396T>C (NM_001321105.2); c.3659+8T>C (NM_001321104.2); c.3326+8T>C (NM_001321108.2); c.3192-2396T>C (NM_001258380.2); c.3564-2396T>C (NM_003615.5).
Identifiers: ClinVar variation 3049631 (VCV003049631.2), dbSNP rs371468517, ClinGen allele CA2291393.

ClinVar aggregate classification (germline): Likely benign (0 of 4 stars; one submission).

Conditions:
SLC4A7-related disorder. Also called: SLC4A7-related condition.

Allele frequency attached by ClinVar (database versions not stated): gnomAD 0.00016; TOPMed 0.00018; 1000 Genomes Project 0.00020; ExAC 0.00028; 1000 Genomes Project 30x 0.00031.
gnomAD v4.1: 168 of 1,452,118 alleles (0.012%); highest among the groups gnomAD compares: East Asian, 0.27%; 2 homozygotes.

Submission:

PreventionGenetics, part of Exact Sciences
Classification: Likely benign for SLC4A7-related condition. Last evaluated: 2019-10-15. Review status: no assertion criteria provided. Collection method: clinical testing. Allele origin: germline.
Comment: This variant is classified as likely benign based on ACMG/AMP sequence variant interpretation guidelines (Richards et al. 2015 PMID: 25741868, with internal and published modifications).